The following is an entry in ClinVar:

NM_006073.4(TRDN):c.398T>C (p.Ile133Thr)

Gene: TRDN (triadin; minus strand). Cytogenetic location: 6q22.31.
Variant type: single nucleotide variant.
Coding change: c.398T>C on transcript NM_006073.4 (MANE Select); coding-DNA position 398, T replaced by C.
Protein change: p.Ile133Thr; replaces isoleucine 133 with threonine.
Molecular consequence: missense variant.
Genome position (GRCh38, 1-based): chr6:123,547,366, A>G on the plus strand (T>C on the coding strand, the complement: TRDN is on the minus strand). VCF-style: chr6-123547366-A-G. GRCh37 (hg19) VCF-style: chr6-123868511-A-G.
Other names: c.398T>C (NM_006073.2); c.398T>C, p.Ile133Thr (NM_001251987.2, NM_001256020.2, NM_001256021.2 and 1 more transcripts); short protein forms I133T.
Identifiers: ClinVar variation 644367 (VCV000644367.9), dbSNP rs1218113277, ClinGen allele CA365568607.

ClinVar aggregate classification (germline): Uncertain significance. Review status: criteria provided, multiple submitters, no conflicts (2 of 4 stars). 2 submissions from 2 submitters: Uncertain significance (2). Last evaluated 2024-11-10.

Conditions:
Catecholaminergic polymorphic ventricular tachycardia 1. Also called: RYR2-Related Catecholaminergic Polymorphic Ventricular Tachycardia; VENTRICULAR TACHYCARDIA, STRESS-INDUCED POLYMORPHIC 1; VENTRICULAR TACHYCARDIA, CATECHOLAMINERGIC POLYMORPHIC, 1, WITH OR WITHOUT ATRIAL DYSFUNCTION AND/OR DILATED CARDIOMYOPATHY. Identifiers: Orphanet 3286, MedGen C1631597, MONDO:0011484, OMIM 604772.
Cardiovascular phenotype. Identifiers: MedGen CN230736.

Allele frequency attached by ClinVar (database versions not stated): gnomAD exomes below 0.00001; TOPMed below 0.00001; gnomAD 0.00001.
gnomAD v4.1: 2 of 1,458,862 alleles (0.00014%); highest among the groups gnomAD compares: Non-Finnish European, 0.00018%; no homozygotes.

Submissions (2):

Ambry Genetics
Classification: Uncertain significance for Cardiovascular phenotype. Last evaluated: 2024-11-10. Review status: criteria provided, single submitter. Criteria: Ambry Variant Classification Scheme 2023. Collection method: clinical testing. Allele origin: germline.

Labcorp Genetics (formerly Invitae), Labcorp
Classification: Uncertain significance for Catecholaminergic polymorphic ventricular tachycardia 1. Last evaluated: 2018-09-11. Review status: criteria provided, single submitter. Criteria: Invitae Variant Classification Sherloc (09022015). Collection method: clinical testing. Allele origin: germline.
Comment: In summary, the available evidence is currently insufficient to determine the role of this variant in disease. Therefore, it has been classified as a Variant of Uncertain Significance. This variant has not been reported in the literature in individuals with TRDN-related disease. This variant is not present in population databases (ExAC no frequency). This sequence change replaces isoleucine with threonine at codon 133 of the TRDN protein (p.Ile133Thr). The isoleucine residue is moderately conserved and there is a moderate physicochemical difference between isoleucine and threonine.